The following is an entry in ClinVar:

ClinVar aggregate classification (germline): Uncertain significance (1 of 4 stars; one submission).

Submission:

Labcorp Genetics (formerly Invitae), Labcorp
Classification: Uncertain significance. Last evaluated: 2022-06-11. Review status: criteria provided, single submitter. Criteria: Invitae Variant Classification Sherloc (09022015). Collection method: clinical testing. Allele origin: germline.
Comment: In summary, the available evidence is currently insufficient to determine the role of this variant in disease. Therefore, it has been classified as a Variant of Uncertain Significance. This variant has not been reported in the literature in individuals affected with MICU1-related conditions. This variant results in a copy number gain of the genomic region encompassing exon(s) 2-12 of the MICU1 gene. This region includes the initiator codon of the gene. This copy number gain extends beyond the assayed region for this gene and therefore may encompass additional genes. As the precise location of this event is unknown, it may be in tandem or it may be located elsewhere in the genome.

NC_000010.10:g.(?_74135521)_(74326551_?)dup

Gene: MICU1 (mitochondrial calcium uptake 1; minus strand). Cytogenetic location: 10q22.1.
Variant type: Duplication.
Identifiers: ClinVar variation 2425507 (VCV002425507.4).